The following is an entry in ClinVar:

ClinVar aggregate classification (germline): Uncertain significance (1 of 4 stars; one submission).

Submission:

Greenwood Genetic Center Diagnostic Laboratories, Greenwood Genetic Center
Classification: Uncertain significance. Last evaluated: 2025-01-07. Review status: criteria provided, single submitter. Criteria: ACMG Guidelines, 2015. Collection method: clinical testing. Allele origin: germline.
Comment: Gene of Uncertain Significance

NM_002383.4(MAZ):c.1279+1G>A

Genes: MAZ (MYC associated zinc finger protein; plus strand), MVP-DT (MVP divergent transcript; minus strand). Cytogenetic location: 16p11.2.
Variant type: single nucleotide variant.
Coding change: c.1279+1G>A on transcript NM_002383.4 (MANE Select); the canonical splice donor site of the intron after coding-DNA position 1279, G replaced by A.
Molecular consequence: splice donor variant. On other transcripts: non-coding transcript variant (1).
Genome position (GRCh38, 1-based): chr16:29,808,742, G>A. VCF-style: chr16-29808742-G-A. GRCh37 (hg19) VCF-style: chr16-29820063-G-A.
Other names: c.1210+1G>A (NM_001276275.2); c.1279+1G>A (NM_001042539.3); c.364+1G>A (NM_001276276.2).
Identifiers: ClinVar variation 4851766 (VCV004851766.1).